The following is an entry in ClinVar:

NM_133510.4(RAD51B):c.761T>A (p.Ile254Asn)

Gene: RAD51B (RAD51 paralog B; plus strand). Cytogenetic location: 14q24.1.
Variant type: single nucleotide variant.
Coding change: c.761T>A on transcript NM_133510.4 (MANE Select); coding-DNA position 761, T replaced by A.
Protein change: p.Ile254Asn; replaces isoleucine 254 with asparagine.
Molecular consequence: missense variant.
Genome position (GRCh38, 1-based): chr14:68,291,888, T>A. VCF-style: chr14-68291888-T-A. GRCh37 (hg19) VCF-style: chr14-68758605-T-A.
Other names: c.761T>A, p.Ile254Asn (NM_001321821.2, NM_002877.6, NM_133509.5 and 6 more transcripts); c.647T>A, p.Ile216Asn (NM_001321815.1); c.404T>A, p.Ile135Asn (NM_001321817.2); short protein forms I135N, I254N, I216N.
Identifiers: ClinVar variation 4149801 (VCV004149801.1).

ClinVar aggregate classification (germline): Uncertain significance (1 of 4 stars; one submission).

Submission:

Ambry Genetics
Classification: Uncertain significance. Last evaluated: 2025-06-18. Review status: criteria provided, single submitter. Criteria: Ambry Variant Classification Scheme 2023. Collection method: clinical testing. Allele origin: germline.
Comment: The p.I254N variant (also known as c.761T>A), located in coding exon 7 of the RAD51B gene, results from a T to A substitution at nucleotide position 761. The isoleucine at codon 254 is replaced by asparagine, an amino acid with dissimilar properties. This amino acid position is conserved. In addition, this alteration is predicted to be deleterious by in silico analysis. Based on the available evidence, the clinical significance of this variant remains unclear.